The following is an entry in ClinVar:

ClinVar aggregate classification (germline): Uncertain significance. Review status: criteria provided, multiple submitters, no conflicts (2 of 4 stars). 2 submissions from 2 submitters: Uncertain significance (2). Last evaluated 2025-03-19.

Conditions:
DNA ligase IV deficiency. Identifiers: Orphanet 99812, MedGen C1847827, MONDO:0011686, OMIM 606593.

Allele frequency attached by ClinVar (database versions not stated): TOPMed 0.00006; gnomAD exomes 0.00007 and 0.00008; gnomAD 0.00008; ExAC 0.00010.
gnomAD v4.1: 113 of 1,614,030 alleles (0.007%); highest among the groups gnomAD compares: Non-Finnish European, 0.0092%; no homozygotes.

Submissions (2):

GeneDx
Classification: Uncertain significance. Last evaluated: 2025-03-19. Review status: criteria provided, single submitter. Criteria: GeneDx Variant Classification Process June 2021. Collection method: clinical testing. Allele origin: germline. Affected: yes.
Comment: In silico analysis indicates that this missense variant does not alter protein structure/function; Has not been previously published as pathogenic or benign to our knowledge

Labcorp Genetics (formerly Invitae), Labcorp
Classification: Uncertain significance for DNA ligase IV deficiency. Last evaluated: 2022-08-22. Review status: criteria provided, single submitter. Criteria: Invitae Variant Classification Sherloc (09022015). Collection method: clinical testing. Allele origin: germline.
Comment: This sequence change replaces aspartic acid, which is acidic and polar, with histidine, which is basic and polar, at codon 586 of the LIG4 protein (p.Asp586His). This variant is present in population databases (rs753492255, gnomAD 0.02%). This variant has not been reported in the literature in individuals affected with LIG4-related conditions. ClinVar contains an entry for this variant (Variation ID: 1016497). Algorithms developed to predict the effect of missense changes on protein structure and function (SIFT, PolyPhen-2, Align-GVGD) all suggest that this variant is likely to be tolerated. In summary, the available evidence is currently insufficient to determine the role of this variant in disease. Therefore, it has been classified as a Variant of Uncertain Significance.

NM_206937.2(LIG4):c.1756G>C (p.Asp586His)

Gene: LIG4 (DNA ligase 4; minus strand). Cytogenetic location: 13q33.3.
Variant type: single nucleotide variant.
Coding change: c.1756G>C on transcript NM_206937.2 (MANE Select); coding-DNA position 1756, G replaced by C.
Protein change: p.Asp586His; replaces aspartic acid 586 with histidine.
Molecular consequence: missense variant.
Genome position (GRCh38, 1-based): chr13:108,209,513, C>G on the plus strand (G>C on the coding strand, the complement: LIG4 is on the minus strand). VCF-style: chr13-108209513-C-G. GRCh37 (hg19) VCF-style: chr13-108861861-C-G.
Other names: c.1756G>C, p.Asp586His (NM_001098268.2, NM_001352598.2, NM_001352599.2 and 6 more transcripts); c.1555G>C, p.Asp519His (NM_001330595.2); c.1792G>C, p.Asp598His (NM_001352604.2); short protein forms D519H, D586H, D598H.
Identifiers: ClinVar variation 1016497 (VCV001016497.5), dbSNP rs753492255, ClinGen allele CA7043619.